The following is an entry in ClinVar:

NM_004409.5(DMPK):c.1392C>A (p.Ala464=)

Genes: DM1-AS (DM1 locus antisense RNA; plus strand), DMPK (DM1 protein kinase; minus strand), LOC107075317 (origin of replication in DMPK trinucleotide repeat region; plus strand). Cytogenetic location: 19q13.32.
Variant type: single nucleotide variant.
Coding change: c.1392C>A on transcript NM_004409.5 (MANE Select); coding-DNA position 1392, C replaced by A.
Protein change: p.Ala464=; no amino-acid change (alanine 464 retained).
Molecular consequence: synonymous variant. On other transcripts: non-coding transcript variant (1).
Genome position (GRCh38, 1-based): chr19:45,771,881, G>T on the plus strand (C>A on the coding strand, the complement: DMPK is on the minus strand). VCF-style: chr19-45771881-G-T. GRCh37 (hg19) VCF-style: chr19-46275139-G-T.
Other names: c.1377C>A, p.Ala459= (NM_001081560.3, NM_001081562.3, NM_001288766.2 and 1 more transcripts); c.1422C>A, p.Ala474= (NM_001081563.3); c.1470C>A, p.Ala490= (NM_001288764.2, NM_001424163.1); c.1125C>A, p.Ala375= (NM_001288765.2); c.1392C>A, p.Ala464= (NM_001424162.1, NM_001424164.1, NM_001424165.1 and 1 more transcripts); c.951C>A, p.Ala317= (NM_001424166.1).
Identifiers: ClinVar variation 3041374 (VCV003041374.2), dbSNP rs147014815, ClinGen allele CA9521130.

ClinVar aggregate classification (germline): Likely benign (0 of 4 stars; one submission).

Conditions:
DMPK-related disorder. Also called: DMPK-related condition.

Allele frequency attached by ClinVar (database versions not stated): TOPMed 0.00016; ESP Exome Variant Server 0.00031.
gnomAD v4.1: 326 of 1,593,752 alleles (0.02%); highest among the groups gnomAD compares: Middle Eastern, 0.12%; no homozygotes.

Submission:

PreventionGenetics, part of Exact Sciences
Classification: Likely benign for DMPK-related condition. Last evaluated: 2019-02-20. Review status: no assertion criteria provided. Collection method: clinical testing. Allele origin: germline.
Comment: This variant is classified as likely benign based on ACMG/AMP sequence variant interpretation guidelines (Richards et al. 2015 PMID: 25741868, with internal and published modifications).